The following is an entry in ClinVar:

NM_001987.5(ETV6):c.368A>G (p.Gln123Arg)

Gene: ETV6 (ETS variant transcription factor 6; plus strand). Cytogenetic location: 12p13.2.
Variant type: single nucleotide variant.
Coding change: c.368A>G on transcript NM_001987.5 (MANE Select); coding-DNA position 368, A replaced by G.
Protein change: p.Gln123Arg; replaces glutamine 123 with arginine.
Molecular consequence: missense variant.
Genome position (GRCh38, 1-based): chr12:11,853,466, A>G. VCF-style: chr12-11853466-A-G. GRCh37 (hg19) VCF-style: chr12-12006400-A-G.
Other names: c.365A>G, p.Gln122Arg (NM_001413913.1); c.341A>G, p.Gln114Arg (NM_001413914.1); c.104A>G, p.Gln35Arg (NM_001413915.1); c.368A>G, p.Gln123Arg (NM_001413916.1, NM_001413917.1); short protein forms Q114R, Q122R, Q123R, Q35R.
Identifiers: ClinVar variation 4020074 (VCV004020074.1).

ClinVar aggregate classification (germline): Uncertain significance (1 of 4 stars; one submission).

Conditions:
Inborn genetic diseases. Identifiers: MedGen C0950123, MeSH D030342.

Submission:

Ambry Genetics
Classification: Uncertain significance for Inborn genetic diseases. Last evaluated: 2025-04-17. Review status: criteria provided, single submitter. Criteria: Ambry Variant Classification Scheme 2023. Collection method: clinical testing. Allele origin: germline.
Comment: The p.Q123R variant (also known as c.368A>G), located in coding exon 4 of the ETV6 gene, results from an A to G substitution at nucleotide position 368. The glutamine at codon 123 is replaced by arginine, an amino acid with highly similar properties. This amino acid position is conserved. In addition, the in silico prediction for this alteration is inconclusive. Based on the available evidence, the clinical significance of this variant remains unclear.